The following is an entry in ClinVar:

NM_001134407.3(GRIN2A):c.2147C>A (p.Ala716Asp)

Gene: GRIN2A (glutamate ionotropic receptor NMDA type subunit 2A; minus strand). Cytogenetic location: 16p13.2.
Variant type: single nucleotide variant.
Coding change: c.2147C>A on transcript NM_001134407.3 (MANE Select); coding-DNA position 2147, C replaced by A.
Protein change: p.Ala716Asp; replaces alanine 716 with aspartic acid.
Molecular consequence: missense variant.
Genome position (GRCh38, 1-based): chr16:9,822,285, G>T on the plus strand (C>A on the coding strand, the complement: GRIN2A is on the minus strand). VCF-style: chr16-9822285-G-T. GRCh37 (hg19) VCF-style: chr16-9916142-G-T.
Other names: c.2147C>A, p.Ala716Asp (NM_000833.5, NM_001134408.2); short protein forms A716D.
Identifiers: ClinVar variation 375534 (VCV000375534.3), dbSNP rs1057519552, ClinGen allele CA16044331.

ClinVar aggregate classification (germline): Conflicting classifications of pathogenicity. Review status: criteria provided, conflicting classifications (1 of 4 stars). 2 submissions from 2 submitters: Likely pathogenic (1); Uncertain significance (1). Last evaluated 2024-07-21.

Conditions:
Landau-Kleffner syndrome (FESD). Also called: EPILEPSY, FOCAL, WITH SPEECH DISORDER AND WITH OR WITHOUT MENTAL RETARDATION; APHASIA, ACQUIRED, WITH EPILEPSY. Identifiers: Orphanet 1945, Orphanet 725, Orphanet 98818, MedGen C0282512, MONDO:0009509, OMIM 245570.

Submissions (2):

Labcorp Genetics (formerly Invitae), Labcorp
Classification: Likely pathogenic for Landau-Kleffner syndrome. Last evaluated: 2024-07-21. Review status: criteria provided, single submitter. Criteria: Invitae Variant Classification Sherloc (09022015). Collection method: clinical testing. Allele origin: germline.
Comment: This sequence change replaces alanine, which is neutral and non-polar, with aspartic acid, which is acidic and polar, at codon 716 of the GRIN2A protein (p.Ala716Asp). This variant is not present in population databases (gnomAD no frequency). This variant has not been reported in the literature in individuals affected with GRIN2A-related conditions. ClinVar contains an entry for this variant (Variation ID: 375534). Advanced modeling of protein sequence and biophysical properties (such as structural, functional, and spatial information, amino acid conservation, physicochemical variation, residue mobility, and thermodynamic stability) performed at Invitae indicates that this missense variant is expected to disrupt GRIN2A protein function with a positive predictive value of 95%. This variant disrupts the p.Ala716 amino acid residue in GRIN2A. Other variant(s) that disrupt this residue have been determined to be pathogenic (PMID: 23933820, 27839871). This suggests that this residue is clinically significant, and that variants that disrupt this residue are likely to be disease-causing. In summary, the currently available evidence indicates that the variant is pathogenic, but additional data are needed to prove that conclusively. Therefore, this variant has been classified as Likely Pathogenic.

Neurogenetics Laboratory - MEYER, AOU Meyer
Classification: Uncertain significance for Landau-Kleffner syndrome. Last evaluated: 2016-11-16. Review status: criteria provided, single submitter. Criteria: ACMG Guidelines, 2015. Collection method: clinical testing. Allele origin: maternal. Affected: yes. Observed: 1 heterozygote.

Literature cited by the submitters: PubMed 23933820 (cited by Labcorp Genetics (formerly Invitae), Labcorp); PubMed 27839871 (cited by Labcorp Genetics (formerly Invitae), Labcorp).